The following is an entry in ClinVar:

NM_016824.5(ADD3):c.1741C>G (p.Gln581Glu)

Gene: ADD3 (adducin 3; plus strand). Cytogenetic location: 10q25.2.
Variant type: single nucleotide variant.
Coding change: c.1741C>G on transcript NM_016824.5 (MANE Select); coding-DNA position 1741, C replaced by G.
Protein change: p.Gln581Glu; replaces glutamine 581 with glutamic acid.
Molecular consequence: missense variant. On other transcripts: intron variant (2).
Genome position (GRCh38, 1-based): chr10:110,132,313, C>G. VCF-style: chr10-110132313-C-G. GRCh37 (hg19) VCF-style: chr10-111892071-C-G.
Other names: c.1741C>G, p.Gln581Glu (NM_001320591.2, NM_001320592.2, NM_001320593.2); c.1507C>G, p.Gln503Glu (NM_001320594.2); c.1733-1013C>G (NM_019903.5, NM_001121.4); short protein forms Q503E, Q581E.
Identifiers: ClinVar variation 2442634 (VCV002442634.1), dbSNP rs2496374517, ClinGen allele CA378379697.

ClinVar aggregate classification (germline): Uncertain significance (1 of 4 stars; one submission).

Submission:

GeneDx
Classification: Uncertain significance. Last evaluated: 2022-09-01. Review status: criteria provided, single submitter. Criteria: GeneDx Variant Classification Process June 2021. Collection method: clinical testing. Allele origin: germline. Affected: yes.
Comment: Not observed at significant frequency in large population cohorts (gnomAD); In silico analysis supports that this missense variant does not alter protein structure/function; Has not been previously published as pathogenic or benign to our knowledge